The following is an entry in ClinVar:

NM_014915.3(ANKRD26):c.1004A>G (p.His335Arg)

Gene: ANKRD26 (ankyrin repeat domain 26; minus strand). Cytogenetic location: 10p12.1.
Variant type: single nucleotide variant.
Coding change: c.1004A>G on transcript NM_014915.3 (MANE Select); coding-DNA position 1004, A replaced by G.
Protein change: p.His335Arg; replaces histidine 335 with arginine.
Molecular consequence: missense variant.
Genome position (GRCh38, 1-based): chr10:27,077,411, T>C on the plus strand (A>G on the coding strand, the complement: ANKRD26 is on the minus strand). VCF-style: chr10-27077411-T-C. GRCh37 (hg19) VCF-style: chr10-27366340-T-C.
Other names: c.1004A>G, p.His335Arg (NM_001256053.2); short protein forms H335R.
Identifiers: ClinVar variation 4580031 (VCV004580031.1).

ClinVar aggregate classification (germline): Uncertain significance (1 of 4 stars; one submission).

Conditions:
Inborn genetic diseases. Identifiers: MedGen C0950123, MeSH D030342.

gnomAD v4.1: 5 of 1,613,726 alleles (0.00031%); highest among the groups gnomAD compares: Non-Finnish European, 0.00042%; no homozygotes.

Submission:

Ambry Genetics
Classification: Uncertain significance for Inborn genetic diseases. Last evaluated: 2025-11-17. Review status: criteria provided, single submitter. Criteria: Ambry Variant Classification Scheme 2023. Collection method: clinical testing. Allele origin: germline.
Comment: The p.H335R variant (also known as c.1004A>G), located in coding exon 9 of the ANKRD26 gene, results from an A to G substitution at nucleotide position 1004. The histidine at codon 335 is replaced by arginine, an amino acid with highly similar properties. This amino acid position is conserved. In addition, this alteration is predicted to be tolerated by in silico analysis. Based on the available evidence, the clinical significance of this variant remains unclear.